The following is an entry in ClinVar:

NM_002439.5(MSH3):c.1324A>G (p.Arg442Gly)

Gene: MSH3 (mutS homolog 3; plus strand). Cytogenetic location: 5q14.1.
Variant type: single nucleotide variant.
Coding change: c.1324A>G on transcript NM_002439.5 (MANE Select); coding-DNA position 1324, A replaced by G.
Protein change: p.Arg442Gly; replaces arginine 442 with glycine.
Molecular consequence: missense variant.
Genome position (GRCh38, 1-based): chr5:80,679,077, A>G. VCF-style: chr5-80679077-A-G. GRCh37 (hg19) VCF-style: chr5-79974896-A-G.
Other names: c.1324A>G (NM_002439.3); short protein forms R442G.
Identifiers: ClinVar variation 2861917 (VCV002861917.4), dbSNP rs2546726707, ClinGen allele CA360269121.
Genomic context (GRCh38, chr5:80,679,077, plus strand): 5'-CAGCCAGTAGAGCTGCTGCTTCCTTCGGCCTTGTCCGAGCAAACAGAGGCGCTCATCCAC[A>G]GAGCCACATCTGTTAGGTAAGTTGGCACATCACTGGAATATAATACCGATTCTGAAACTT-3'
Protein context (NP_002430.3, residues 432-452): LSEQTEALIH[Arg442Gly]ATSVSVQDDR

ClinVar aggregate classification (germline): Uncertain significance. Review status: criteria provided, multiple submitters, no conflicts (2 of 4 stars). 2 submissions from 2 submitters: Uncertain significance (2). Last evaluated 2024-07-15.

Conditions:
Hereditary cancer-predisposing syndrome. Also called: Hereditary neoplastic syndrome; Tumor predisposition; Neoplastic Syndromes, Hereditary; Hereditary Cancer Syndrome. Identifiers: Orphanet 140162, MedGen C0027672, MeSH D009386, MONDO:0015356.

Submissions (2):

Ambry Genetics
Classification: Uncertain significance for Hereditary cancer-predisposing syndrome. Last evaluated: 2024-07-15. Review status: criteria provided, single submitter. Criteria: Ambry Variant Classification Scheme 2023. Collection method: clinical testing. Allele origin: germline.
Comment: The p.R442G variant (also known as c.1324A>G), located in coding exon 8 of the MSH3 gene, results from an A to G substitution at nucleotide position 1324. The arginine at codon 442 is replaced by glycine, an amino acid with dissimilar properties. This amino acid position is conserved. In addition, the in silico prediction for this alteration is inconclusive. Based on the available evidence, the clinical significance of this variant remains unclear.

Labcorp Genetics (formerly Invitae), Labcorp
Classification: Uncertain significance. Last evaluated: 2023-05-04. Review status: criteria provided, single submitter. Criteria: Invitae Variant Classification Sherloc (09022015). Collection method: clinical testing. Allele origin: germline.
Comment: In summary, the available evidence is currently insufficient to determine the role of this variant in disease. Therefore, it has been classified as a Variant of Uncertain Significance. An algorithm developed to predict the effect of missense changes on protein structure and function (PolyPhen-2) suggests that this variant is likely to be tolerated. This variant has not been reported in the literature in individuals affected with MSH3-related conditions. This variant is not present in population databases (gnomAD no frequency). This sequence change replaces arginine, which is basic and polar, with glycine, which is neutral and non-polar, at codon 442 of the MSH3 protein (p.Arg442Gly).